The following is an entry in ClinVar:

ClinVar aggregate classification (germline): Likely pathogenic. Review status: criteria provided, multiple submitters, no conflicts (2 of 4 stars). 2 submissions from 2 submitters: Likely pathogenic (2). Last evaluated 2025-03-31.

Conditions:
CDH23-related disorder. Also called: CDH23-related condition; CDH23-related disorders.

Allele frequency attached by ClinVar (database versions not stated): gnomAD exomes below 0.00001; TOPMed 0.00002; gnomAD 0.00003.
gnomAD v4.1: 4 of 1,613,776 alleles (0.00025%); highest among the groups gnomAD compares: African/African-American, 0.0053%; no homozygotes.

Submissions (2):

Labcorp Genetics (formerly Invitae), Labcorp
Classification: Likely pathogenic. Last evaluated: 2025-03-31. Review status: criteria provided, single submitter. Criteria: Invitae Variant Classification Sherloc (09022015). Collection method: clinical testing. Allele origin: germline.
Comment: This sequence change affects a donor splice site in intron 40 of the CDH23 gene. It is expected to disrupt RNA splicing. Variants that disrupt the donor or acceptor splice site typically lead to a loss of protein function (PMID: 16199547), and loss-of-function variants in CDH23 are known to be pathogenic (PMID: 11138009, 21940737). The frequency data for this variant in the population databases is considered unreliable, as metrics indicate poor data quality at this position in the gnomAD database. This variant has not been reported in the literature in individuals affected with CDH23-related conditions. ClinVar contains an entry for this variant (Variation ID: 866906). Algorithms developed to predict the effect of sequence changes on RNA splicing suggest that this variant may disrupt the consensus splice site. In summary, the currently available evidence indicates that the variant is pathogenic, but additional data are needed to prove that conclusively. Therefore, this variant has been classified as Likely Pathogenic.

Blueprint Genetics
Classification: Likely pathogenic for CDH23-related disorders. Last evaluated: 2017-09-26. Review status: criteria provided, single submitter. Criteria: ACMG Guidelines, 2015. Collection method: clinical testing. Allele origin: germline. Affected: yes. Observed: 1 variant allele.

Literature cited by the submitters: PubMed 16199547 (cited by Labcorp Genetics (formerly Invitae), Labcorp); PubMed 11138009 (cited by Labcorp Genetics (formerly Invitae), Labcorp); PubMed 21940737 (cited by Labcorp Genetics (formerly Invitae), Labcorp).

NM_022124.6(CDH23):c.5187+1G>A

Gene: CDH23 (cadherin related 23; plus strand). Cytogenetic location: 10q22.1.
Variant type: single nucleotide variant.
Coding change: c.5187+1G>A on transcript NM_022124.6 (MANE Select); the canonical splice donor site of the intron after coding-DNA position 5187, G replaced by A.
Molecular consequence: splice donor variant.
Genome position (GRCh38, 1-based): chr10:71,778,309, G>A. VCF-style: chr10-71778309-G-A. GRCh37 (hg19) VCF-style: chr10-73538066-G-A.
Identifiers: ClinVar variation 866906 (VCV000866906.9), dbSNP rs1280991447, ClinGen allele CA377141543.